The following is an entry in ClinVar:

NM_014362.4(HIBCH):c.808A>G (p.Ser270Gly)

Gene: HIBCH (3-hydroxyisobutyryl-CoA hydrolase; minus strand). Cytogenetic location: 2q32.2.
Variant type: single nucleotide variant.
Coding change: c.808A>G on transcript NM_014362.4 (MANE Select); coding-DNA position 808, A replaced by G.
Protein change: p.Ser270Gly; replaces serine 270 with glycine.
Molecular consequence: missense variant.
Genome position (GRCh38, 1-based): chr2:190,246,155, T>C on the plus strand (A>G on the coding strand, the complement: HIBCH is on the minus strand). VCF-style: chr2-190246155-T-C. GRCh37 (hg19) VCF-style: chr2-191110881-T-C.
Other names: c.808A>G, p.Ser270Gly (NM_198047.3); short protein forms S270G.
Identifiers: ClinVar variation 432402 (VCV000432402.4), dbSNP rs188607586, ClinGen allele CA2027493.

ClinVar aggregate classification (germline): Uncertain significance. Review status: criteria provided, multiple submitters, no conflicts (2 of 4 stars). 3 submissions from 3 submitters: Uncertain significance (3). Last evaluated 2025-10-02.

Conditions:
3-hydroxyisobutyryl-CoA hydrolase deficiency. Also called: HIBCH DEFICIENCY; METHACRYLIC ACID TOXICITY; METHACRYLIC ACIDURIA; Reduced circulating 3-hydroxyisobutyryl-CoA hydrolase activity; Deficiency of 3-hydroxyisobutyryl CoA hydrolase; VALINE METABOLIC DEFECT. Identifiers: Orphanet 88639, MedGen C0342738, MONDO:0009603, OMIM 250620, HP:6000215.

Allele frequency attached by ClinVar (database versions not stated): gnomAD 0.00001; 1000 Genomes Project 30x 0.00016; ExAC 0.00001; gnomAD exomes below 0.00001 and 0.00001; TOPMed 0.00001; 1000 Genomes Project 0.00020.
gnomAD v4.1: 8 of 1,550,906 alleles (0.00052%); highest among the groups gnomAD compares: Admixed American, 0.0067%; no homozygotes.

Submissions (3):

3billion
Classification: Uncertain significance for 3-hydroxyisobutyryl-CoA hydrolase deficiency. Last evaluated: 2025-10-02. Review status: criteria provided, single submitter. Criteria: ACMG Guidelines, 2015. Collection method: clinical testing. Allele origin: germline. Affected: yes.
Comment: The variant is observed at an extremely low frequency in the gnomAD v4.1.0 dataset (total allele frequency: <0.001%). Predicted Consequence/Location: Missense variant In silico tools predict the variant to alter splicing and produce an abnormal transcript [SpliceAI: 0.87 (>=0.2, moderate evidence for spliceogenicity)]. The same nucleotide change resulting in the same amino acid change has been previously reported to be associated with HIBCH-related disorder (PMID: 31523596). However, the evidence of pathogenicity is insufficient at this time. Therefore, this variant is classified as VUS according to the recommendation of ACMG/AMP guideline.

AiLife Diagnostics
Classification: Uncertain significance. Last evaluated: 2021-04-14. Review status: criteria provided, single submitter. Criteria: ACMG Guidelines, 2015. Collection method: clinical testing. Allele origin: germline. Affected: yes. Observed: 1 variant allele.

GeneDx
Classification: Uncertain significance. Last evaluated: 2017-06-14. Review status: criteria provided, single submitter. Criteria: GeneDx Variant Classification (06012015). Collection method: clinical testing. Allele origin: germline. Affected: yes.
Comment: The S270G (c.808 A>G) variant has not been published as a pathogenic variant, nor has it been reported as a benign variant to our knowledge. The S270G (c.808 A>G) variant is not observed at a significant frequency in large population cohorts (Lek et al., 2016; 1000 Genomes Consortium et al., 2015; Exome Variant Server). The S270G variant is a non-conservative amino acid substitution, which is likely to impact secondary protein structure as these residues differ in polarity, charge, size and/or other properties. A Serine is not conserved at position 270 in other species. In silico analysis is inconsistent in its predictions as to whether or not S270G is damaging to the protein structure/function. Several in-silico splice prediction models predict that c.808 A>G, responsible for S270G, creates a cryptic donor site which may supplant the natural donor site and lead to abnormal gene splicing. However, in the absence of RNA/functional studies, the actual effect of this sequence change in this individual is unknown. In summary, based on the currently available information, it is unclear whether the S270G (c.808 A>G) variant is a pathogenic variant or a rare benign variant.

Literature cited by the submitters: PubMed 31523596 (cited by 3billion and AiLife Diagnostics).